The following is an entry in ClinVar:

NM_203447.4(DOCK8):c.2970+70A>G

Gene: DOCK8 (dedicator of cytokinesis 8; plus strand). Cytogenetic location: 9p24.3.
Variant type: single nucleotide variant.
Coding change: c.2970+70A>G on transcript NM_203447.4 (MANE Select); 70 bases into the intron after coding-DNA position 2970, A replaced by G.
Molecular consequence: intron variant.
Genome position (GRCh38, 1-based): chr9:390,636, A>G. VCF-style: chr9-390636-A-G. GRCh37 (hg19) VCF-style: chr9-390636-A-G.
Other names: c.2766+70A>G (NM_001193536.2); c.2670+70A>G (NM_001190458.2).
Identifiers: ClinVar variation 673291 (VCV000673291.4), dbSNP rs10814649, ClinGen allele CA13022870.

ClinVar aggregate classification (germline): Benign. Review status: criteria provided, multiple submitters, no conflicts (2 of 4 stars). 3 submissions from 3 submitters: Benign (3). Last evaluated 2023-11-12.

Allele frequency attached by ClinVar (database versions not stated): 1000 Genomes Project 0.15635; 1000 Genomes Project 30x 0.15709; TOPMed 0.17819; gnomAD 0.18015 and 0.18182; gnomAD exomes 0.21726.
gnomAD v4.1: 316,775 of 1,483,074 alleles (21%); highest among the groups gnomAD compares: South Asian, 25%; 35,650 homozygotes.

Submissions (3):

Unidad de Genómica Garrahan, Hospital de Pediatría Garrahan
Classification: Benign. Last evaluated: 2023-11-12. Review status: criteria provided, single submitter. Criteria: ACMG Guidelines, 2015. Collection method: clinical testing. Allele origin: germline. Affected: no. Observed: 20 variant alleles.
Comment: This variant is classified as Benign based on local population frequency. This variant was detected in 21% of patients studied by a panel of primary immunodeficiencies. Number of patients: 20. Only high quality variants are reported.

GeneDx
Classification: Benign. Last evaluated: 2018-06-14. Review status: criteria provided, single submitter. Criteria: GeneDx Variant Classification (06012015). Collection method: clinical testing. Allele origin: germline. Affected: yes.
Comment: This variant is considered likely benign or benign based on one or more of the following criteria: it is a conservative change, it occurs at a poorly conserved position in the protein, it is predicted to be benign by multiple in silico algorithms, and/or has population frequency not consistent with disease.

Breakthrough Genomics
Classification: Benign. Review status: criteria provided, single submitter. Criteria: ACMG Guidelines, 2015. Collection method: not provided. Allele origin: germline. Inheritance: Autosomal recessive inheritance. Affected: yes.